The following is an entry in ClinVar:

ClinVar aggregate classification (germline): Uncertain significance (1 of 4 stars; one submission).

Submission:

Labcorp Genetics (formerly Invitae), Labcorp
Classification: Uncertain significance. Last evaluated: 2020-06-25. Review status: criteria provided, single submitter. Criteria: Invitae Variant Classification Sherloc (09022015). Collection method: clinical testing. Allele origin: germline.
Comment: In summary, the available evidence is currently insufficient to determine the role of this variant in disease. Therefore, it has been classified as a Variant of Uncertain Significance. Algorithms developed to predict the effect of sequence changes on RNA splicing suggest that this variant may create or strengthen a splice site, but this prediction has not been confirmed by published transcriptional studies. Algorithms developed to predict the effect of missense changes on protein structure and function (SIFT, PolyPhen-2, Align-GVGD) all suggest that this variant is likely to be disruptive, but these predictions have not been confirmed by published functional studies and their clinical significance is uncertain. A different nucleotide change at this position (c.1083T>A) that results in the same asparagine to lysine substitution has been observed in an individual with leiomyoma(s) (PMID: 12761039). This variant is not present in population databases (ExAC no frequency). This sequence change replaces asparagine with lysine at codon 361 of the FH protein (p.Asn361Lys). The asparagine residue is highly conserved and there is a moderate physicochemical difference between asparagine and lysine.

Literature cited by the submitters: PubMed 12761039.

NM_000143.4(FH):c.1083T>G (p.Asn361Lys)

Gene: FH (fumarate hydratase; minus strand). Cytogenetic location: 1q43.
Variant type: single nucleotide variant.
Coding change: c.1083T>G on transcript NM_000143.4 (MANE Select); coding-DNA position 1083, T replaced by G.
Protein change: p.Asn361Lys; replaces asparagine 361 with lysine.
Molecular consequence: missense variant.
Genome position (GRCh38, 1-based): chr1:241,504,067, A>C on the plus strand (T>G on the coding strand, the complement: FH is on the minus strand). VCF-style: chr1-241504067-A-C. GRCh37 (hg19) VCF-style: chr1-241667367-A-C.
Other names: short protein forms N361K.
Identifiers: ClinVar variation 1034589 (VCV001034589.9), dbSNP rs1659849280, ClinGen allele CA345437991.
Genomic context (GRCh38, chr1:241,504,067, plus strand): 5'-GTTTTAGCTCCAACATTTACTAGCTATGTGATTACCTGGCATGATACTGCTTCCTGGTTC[A>C]TTTTCAGGCAAGATCAATTCTCCCAGACCTGACCGAGGACCAGAACCCAAAAATCGAATA-3'
Protein context (NP_000134.2, residues 351-371): SGLGELILPE[Asn361Lys]EPGSSIMPGK